The following is an entry in ClinVar:

NM_201548.5(CERKL):c.992T>A (p.Leu331Ter)

Gene: CERKL (CERK like autophagy regulator; minus strand). Cytogenetic location: 2q31.3.
Variant type: single nucleotide variant.
Coding change: c.992T>A on transcript NM_201548.5 (MANE Select); coding-DNA position 992, T replaced by A.
Protein change: p.Leu331Ter; replaces leucine 331 with a stop codon.
Molecular consequence: nonsense. On other transcripts: non-coding transcript variant (2).
Genome position (GRCh38, 1-based): chr2:181,548,761, A>T on the plus strand (T>A on the coding strand, the complement: CERKL is on the minus strand). VCF-style: chr2-181548761-A-T. GRCh37 (hg19) VCF-style: chr2-182413488-A-T.
Other names: c.1070T>A, p.Leu357Ter (NM_001030311.3); c.653T>A, p.Leu218Ter (NM_001030312.3); c.785T>A, p.Leu262Ter (NM_001030313.3); c.*274T>A (NM_001030314.1, NM_001030315.1); c.938T>A, p.Leu313Ter (NM_001160277.2); short protein forms L218*, L262*, L357*, L313*, L331*.
Identifiers: ClinVar variation 2697593 (VCV002697593.3), dbSNP rs1559072042, ClinGen allele CA349737103.

ClinVar aggregate classification (germline): Pathogenic (1 of 4 stars; one submission).

Submission:

Labcorp Genetics (formerly Invitae), Labcorp
Classification: Pathogenic. Last evaluated: 2023-11-20. Review status: criteria provided, single submitter. Criteria: Invitae Variant Classification Sherloc (09022015). Collection method: clinical testing. Allele origin: germline.
Comment: This sequence change creates a premature translational stop signal (p.Leu357*) in the CERKL gene. It is expected to result in an absent or disrupted protein product. Loss-of-function variants in CERKL are known to be pathogenic (PMID: 14681825, 23591405, 24043777). This variant is not present in population databases (gnomAD no frequency). This variant has not been reported in the literature in individuals affected with CERKL-related conditions. For these reasons, this variant has been classified as Pathogenic.

Literature cited by the submitters: PubMed 14681825; PubMed 23591405; PubMed 24043777.